The following is an entry in ClinVar:

ClinVar aggregate classification (germline): Uncertain significance. Review status: criteria provided, multiple submitters, no conflicts (2 of 4 stars). 2 submissions from 2 submitters: Uncertain significance (2). Last evaluated 2025-08-06.

Submissions (2):

Labcorp Genetics (formerly Invitae), Labcorp
Classification: Uncertain significance. Last evaluated: 2025-08-06. Review status: criteria provided, single submitter. Criteria: Invitae Variant Classification Sherloc (09022015). Collection method: clinical testing. Allele origin: germline.
Comment: This sequence change replaces serine, which is neutral and polar, with isoleucine, which is neutral and non-polar, at codon 622 of the ABCA4 protein (p.Ser622Ile). This variant is not present in population databases (gnomAD no frequency). This variant has not been reported in the literature in individuals affected with ABCA4-related conditions. ClinVar contains an entry for this variant (Variation ID: 2120427). Invitae Evidence Modeling of protein sequence and biophysical properties (such as structural, functional, and spatial information, amino acid conservation, physicochemical variation, residue mobility, and thermodynamic stability) indicates that this missense variant is not expected to disrupt ABCA4 protein function with a negative predictive value of 95%. In summary, the available evidence is currently insufficient to determine the role of this variant in disease. Therefore, it has been classified as a Variant of Uncertain Significance.

Blueprint Genetics
Classification: Uncertain significance. Last evaluated: 2023-09-14. Review status: criteria provided, single submitter. Criteria: ACMG Guidelines, 2015. Collection method: clinical testing. Allele origin: germline.

NM_000350.3(ABCA4):c.1865G>T (p.Ser622Ile)

Gene: ABCA4 (ATP binding cassette subfamily A member 4; minus strand). Cytogenetic location: 1p22.1.
Variant type: single nucleotide variant.
Coding change: c.1865G>T on transcript NM_000350.3 (MANE Select); coding-DNA position 1865, G replaced by T.
Protein change: p.Ser622Ile; replaces serine 622 with isoleucine.
Molecular consequence: missense variant.
Genome position (GRCh38, 1-based): chr1:94,062,649, C>A on the plus strand (G>T on the coding strand, the complement: ABCA4 is on the minus strand). VCF-style: chr1-94062649-C-A. GRCh37 (hg19) VCF-style: chr1-94528205-C-A.
Other names: c.1865G>T, p.Ser622Ile (NM_001425324.1); short protein forms S622I.
Identifiers: ClinVar variation 2120427 (VCV002120427.3), dbSNP rs1661161975, ClinGen allele CA341279401.